The following is an entry in ClinVar:

ClinVar aggregate classification (germline): Uncertain significance. Review status: criteria provided, multiple submitters, no conflicts (2 of 4 stars). 2 submissions from 2 submitters: Uncertain significance (2). Last evaluated 2025-08-12.

Conditions:
Inborn genetic diseases. Identifiers: MedGen C0950123, MeSH D030342.

gnomAD v4.1: 124 of 1,613,940 alleles (0.0077%); highest among the groups gnomAD compares: Non-Finnish European, 0.0099%; no homozygotes.

Submissions (2):

Ambry Genetics
Classification: Uncertain significance for Inborn genetic diseases. Last evaluated: 2025-08-12. Review status: criteria provided, single submitter. Criteria: Ambry Variant Classification Scheme 2023. Collection method: clinical testing. Allele origin: germline.

GeneDx
Classification: Uncertain significance. Last evaluated: 2025-01-26. Review status: criteria provided, single submitter. Criteria: GeneDx Variant Classification Process June 2021. Collection method: clinical testing. Allele origin: germline. Affected: yes.
Comment: In silico analysis supports that this missense variant has a deleterious effect on protein structure/function; Has not been previously published as pathogenic or benign to our knowledge

NM_001136035.4(TRMT1):c.227C>T (p.Pro76Leu)

Gene: TRMT1 (tRNA methyltransferase 1; minus strand). Cytogenetic location: 19p13.13.
Variant type: single nucleotide variant.
Coding change: c.227C>T on transcript NM_001136035.4 (MANE Select); coding-DNA position 227, C replaced by T.
Protein change: p.Pro76Leu; replaces proline 76 with leucine.
Molecular consequence: missense variant. On other transcripts: 5 prime UTR variant (1).
Genome position (GRCh38, 1-based): chr19:13,116,173, G>A on the plus strand (C>T on the coding strand, the complement: TRMT1 is on the minus strand). VCF-style: chr19-13116173-G-A. GRCh37 (hg19) VCF-style: chr19-13226987-G-A.
Other names: c.227C>T (NM_017722.3); c.227C>T, p.Pro76Leu (NM_001142554.3, NM_001351760.2, NM_017722.5); c.119C>T, p.Pro40Leu (NM_001351761.2); c.-637C>T (NM_001351762.2); short protein forms P40L, P76L.
Identifiers: ClinVar variation 4071592 (VCV004071592.2).
Genomic context (GRCh38, chr19:13,116,173, plus strand): 5'-CCGATGCCAGGCTAACGTCTGACCCCTGCTCACGTCAGGTCCCGATTGAATTCCTGCACC[G>A]GGTTATAAAAGACCTCGTTGGCACTGGGAAAGGCGATTTTGGCAGCCCCCTCGGTGACTG-3'
Protein context (NP_001129507.1, residues 66-86): FPSANEVFYN[Pro76Leu]VQEFNRDLTC